The following is an entry in ClinVar:

ClinVar aggregate classification (germline): Likely benign. Review status: criteria provided, multiple submitters, no conflicts (2 of 4 stars). 3 submissions from 3 submitters: Likely benign (3). Last evaluated 2026-06-18.

Conditions:
Niemann-Pick disease, type C1. Also called: NIEMANN-PICK DISEASE, VARIANT TYPE C1; NEUROVISCERAL STORAGE DISEASE WITH VERTICAL SUPRANUCLEAR OPHTHALMOPLEGIA; NIEMANN-PICK DISEASE WITH CHOLESTEROL ESTERIFICATION BLOCK; NIEMANN-PICK DISEASE WITHOUT SPHINGOMYELINASE DEFICIENCY; NIEMANN-PICK DISEASE, CHRONIC NEURONOPATHIC FORM. Identifiers: Orphanet 646, MedGen C3179455, MONDO:0009757, OMIM 257220.
NPC1-related disorder. Also called: NPC1-related condition.
Inborn genetic diseases. Identifiers: MedGen C0950123, MeSH D030342.

Allele frequency attached by ClinVar (database versions not stated): gnomAD exomes 0.00001; gnomAD 0.00002; TOPMed 0.00003; ESP Exome Variant Server 0.00015.
gnomAD v4.1: 26 of 1,613,122 alleles (0.0016%); highest among the groups gnomAD compares: Middle Eastern, 0.016%; no homozygotes.

Submissions (3):

PreventionGenetics, part of Exact Sciences
Classification: Likely benign for NPC1-related condition. Last evaluated: 2026-06-18. Review status: criteria provided, single submitter. Criteria: ACMG Guidelines, 2015. Collection method: clinical testing. Allele origin: germline.
Comment: This variant is classified as likely benign based on ACMG/AMP sequence variant interpretation guidelines (Richards et al. 2015 PMID: 25741868, with internal and published modifications).

Labcorp Genetics (formerly Invitae), Labcorp
Classification: Likely benign for Niemann-Pick disease, type C1. Last evaluated: 2025-11-06. Review status: criteria provided, single submitter. Criteria: Invitae Variant Classification Sherloc (09022015). Collection method: clinical testing. Allele origin: germline.

Ambry Genetics
Classification: Likely benign for Inborn genetic diseases. Last evaluated: 2024-01-27. Review status: criteria provided, single submitter. Criteria: Ambry Variant Classification Scheme 2023. Collection method: clinical testing. Allele origin: germline.

NM_000271.5(NPC1):c.900C>T (p.Ser300=)

Gene: NPC1 (NPC intracellular cholesterol transporter 1; minus strand). Cytogenetic location: 18q11.2.
Variant type: single nucleotide variant.
Coding change: c.900C>T on transcript NM_000271.5 (MANE Select); coding-DNA position 900, C replaced by T.
Protein change: p.Ser300=; no amino-acid change (serine 300 retained).
Molecular consequence: synonymous variant.
Genome position (GRCh38, 1-based): chr18:23,557,172, G>A on the plus strand (C>T on the coding strand, the complement: NPC1 is on the minus strand). VCF-style: chr18-23557172-G-A. GRCh37 (hg19) VCF-style: chr18-21137136-G-A.
Other names: c.900C>T (NM_000271.4).
Identifiers: ClinVar variation 1147565 (VCV001147565.11), dbSNP rs377728310, ClinGen allele CA297070158.